The following is an entry in ClinVar:

ClinVar aggregate classification (germline): Pathogenic (1 of 4 stars; one submission).

Conditions:
Hypertrophic cardiomyopathy. Also called: HYPERTROPHIC MYOCARDIOPATHY. Identifiers: Orphanet 217569, MedGen C0007194, MeSH D002312, MONDO:0005045, HP:0001639.

Submission:

Laboratory for Molecular Medicine, Mass General Brigham Personalized Medicine
Classification: Pathogenic for Hypertrophic cardiomyopathy. Last evaluated: 2014-03-21. Review status: criteria provided, single submitter. Criteria: LMM Criteria. Collection method: clinical testing. Allele origin: germline. Inheritance: Autosomal dominant inheritance. Observed: 2 variant alleles.
Comment: The p.Lys1216fs variant in MYBPC3 has not been previously reported in individual s with cardiomyopathy or in large population studies. This frameshift variant is predicted to alter the protein?s amino acid sequence beginning at position 1216 and lead to a premature termination codon 26 amino acids downstream. This alter ation is then predicted to lead to a truncated or absent protein. Heterozygous l oss of function of the MYBPC3 gene is an established disease mechanism in indivi duals with HCM. In summary, this variant meets our criteria to be classified as pathogenic) based upon the pr edicted impact of the variant.

NM_000256.3(MYBPC3):c.3644dup (p.Lys1216fs)

Gene: MYBPC3 (myosin binding protein C3; minus strand). Cytogenetic location: 11p11.2.
Variant type: Duplication.
Coding change: c.3644dup on transcript NM_000256.3 (MANE Select); coding-DNA position 3644, one base duplicated (T; older notation c.3644dupT).
Protein change: p.Lys1216fs; shifts the reading frame from lysine 1216.
Molecular consequence: frameshift variant.
Genome position (GRCh38, 1-based): chr11:47,332,242, A duplicated on the plus strand (T on the coding strand, the reverse complement: MYBPC3 is on the minus strand); the first of 2 consecutive A bases (chr11:47,332,242-47,332,243); duplicating either gives the same sequence. VCF-style (leftmost placement, unchanged base first): chr11-47332241-G-GA. GRCh37 (hg19) VCF-style: chr11-47353792-G-GA.
Other names: NM_000256.3:c.3644dupT; p.Lys1216GlnfsX26; c.3644_3645insT (NM_000256.3); short protein forms K1216fs.
Identifiers: ClinVar variation 179527 (VCV000179527.4), dbSNP rs730880361, ClinGen allele CA014559.